The following is an entry in ClinVar:

NM_004958.4(MTOR):c.1657C>T (p.Arg553Cys)

Gene: MTOR (mechanistic target of rapamycin kinase; minus strand). Cytogenetic location: 1p36.22.
Variant type: single nucleotide variant.
Coding change: c.1657C>T on transcript NM_004958.4 (MANE Select); coding-DNA position 1657, C replaced by T.
Protein change: p.Arg553Cys; replaces arginine 553 with cysteine.
Molecular consequence: missense variant.
Genome position (GRCh38, 1-based): chr1:11,240,432, G>A on the plus strand (C>T on the coding strand, the complement: MTOR is on the minus strand). VCF-style: chr1-11240432-G-A. GRCh37 (hg19) VCF-style: chr1-11300489-G-A.
Other names: short protein forms R553C.
Identifiers: ClinVar variation 934220 (VCV000934220.10), dbSNP rs1350423605, ClinGen allele CA338392654.

ClinVar aggregate classification (germline): Uncertain significance. Review status: criteria provided, multiple submitters, no conflicts (2 of 4 stars). 2 submissions from 2 submitters: Uncertain significance (2). Last evaluated 2022-06-03.

Allele frequency attached by ClinVar (database versions not stated): gnomAD exomes below 0.00001.
gnomAD v4.1: 2 of 1,614,262 alleles (0.00012%); highest among the groups gnomAD compares: Non-Finnish European, 0.000085%; no homozygotes.

Submissions (2):

Blueprint Genetics
Classification: Uncertain significance. Last evaluated: 2022-06-03. Review status: criteria provided, single submitter. Criteria: ACMG Guidelines, 2015. Collection method: clinical testing. Allele origin: germline.

Labcorp Genetics (formerly Invitae), Labcorp
Classification: Uncertain significance. Last evaluated: 2019-08-27. Review status: criteria provided, single submitter. Criteria: Invitae Variant Classification Sherloc (09022015). Collection method: clinical testing. Allele origin: germline.
Comment: In summary, the available evidence is currently insufficient to determine the role of this variant in disease. Therefore, it has been classified as a Variant of Uncertain Significance. Algorithms developed to predict the effect of missense changes on protein structure and function are either unavailable or do not agree on the potential impact of this missense change (SIFT: "Tolerated"; PolyPhen-2: "Probably Damaging"; Align-GVGD: "Class C25"). This variant has not been reported in the literature in individuals with MTOR-related conditions. This variant is not present in population databases (ExAC no frequency). This sequence change replaces arginine with cysteine at codon 553 of the MTOR protein (p.Arg553Cys). The arginine residue is highly conserved and there is a large physicochemical difference between arginine and cysteine.